The following is an entry in ClinVar:

NM_004629.2(FANCG):c.-342G>T

Gene: FANCG (FA complementation group G; minus strand). Cytogenetic location: 9p13.3.
Variant type: single nucleotide variant.
Coding change: c.-342G>T on transcript NM_004629.2 (MANE Select); 342 bases upstream of the start codon, G replaced by T.
Molecular consequence: 5 prime UTR variant.
Genome position (GRCh38, 1-based): chr9:35,079,866, C>A on the plus strand (G>T on the coding strand, the complement: FANCG is on the minus strand). VCF-style: chr9-35079866-C-A. GRCh37 (hg19) VCF-style: chr9-35079863-C-A.
Identifiers: ClinVar variation 914286 (VCV000914286.4), dbSNP rs556082635, ClinGen allele CA192697767.

ClinVar aggregate classification (germline): Likely benign (1 of 4 stars; one submission).

Conditions:
Fanconi anemia complementation group G. Also called: Fanconi anemia group G; FANCG-Related Fanconi Anemia. Identifiers: Orphanet 84, MedGen C3469527, MONDO:0013565, OMIM 614082.

Allele frequency attached by ClinVar (database versions not stated): gnomAD below 0.00001 and 0.00003; TOPMed 0.00001; gnomAD exomes 0.00040; 1000 Genomes Project 30x 0.00047; 1000 Genomes Project 0.00060.
gnomAD v4.1: 115 of 441,050 alleles (0.026%); highest among the groups gnomAD compares: South Asian, 0.24%; no homozygotes.

Submission:

Illumina Laboratory Services, Illumina
Classification: Likely benign for Fanconi anemia complementation group G. Last evaluated: 2018-01-13. Review status: criteria provided, single submitter. Criteria: ICSL Variant Classification Criteria 13 December 2019. Collection method: clinical testing. Allele origin: germline.
Comment: This variant was observed in the ICSL laboratory as part of a predisposition screen in an ostensibly healthy population. It had not been previously curated by ICSL or reported in the Human Gene Mutation Database (HGMD: prior to June 1st, 2018), and was therefore a candidate for classification through an automated scoring system. Utilizing variant allele frequency, disease prevalence and penetrance estimates, and inheritance mode, an automated score was calculated to assess if this variant is too frequent to cause the disease. Based on the score and internal cut-off values, a variant classified as likely benign is not then subjected to further curation. The score for this variant resulted in a classification of likely benign for this disease.